The following is an entry in ClinVar:

NM_001999.4(FBN2):c.*274C>T

Gene: FBN2 (fibrillin 2; minus strand). Cytogenetic location: 5q23.3.
Variant type: single nucleotide variant.
Coding change: c.*274C>T on transcript NM_001999.4 (MANE Select); 274 bases downstream of the stop codon, C replaced by T.
Molecular consequence: 3 prime UTR variant.
Genome position (GRCh38, 1-based): chr5:128,259,181, G>A on the plus strand (C>T on the coding strand, the complement: FBN2 is on the minus strand). VCF-style: chr5-128259181-G-A. GRCh37 (hg19) VCF-style: chr5-127594873-G-A.
Identifiers: ClinVar variation 907846 (VCV000907846.4), dbSNP rs140550329, ClinGen allele CA127001363.

ClinVar aggregate classification (germline): Benign (1 of 4 stars; one submission).

Conditions:
Congenital contractural arachnodactyly (CCA). Also called: BEALS SYNDROME; Beals-Hecht syndrome; Arthrogryposis, distal, type 9. Identifiers: Orphanet 115, MedGen C0220668, MONDO:0007363, OMIM 121050.

Allele frequency attached by ClinVar (database versions not stated): gnomAD 0.00030; TOPMed 0.00075; 1000 Genomes Project 0.00180; 1000 Genomes Project 30x 0.00187.

Submission:

Illumina Laboratory Services, Illumina
Classification: Benign for Congenital contractural arachnodactyly. Last evaluated: 2018-01-12. Review status: criteria provided, single submitter. Criteria: ICSL Variant Classification Criteria 13 December 2019. Collection method: clinical testing. Allele origin: germline.
Comment: This variant was observed in the ICSL laboratory as part of a predisposition screen in an ostensibly healthy population. It had not been previously curated by ICSL or reported in the Human Gene Mutation Database (HGMD: prior to June 1st, 2018), and was therefore a candidate for classification through an automated scoring system. Utilizing variant allele frequency, disease prevalence and penetrance estimates, and inheritance mode, an automated score was calculated to assess if this variant is too frequent to cause the disease. Based on the score and internal cut-off values, a variant classified as benign is not then subjected to further curation. The score for this variant resulted in a classification of benign for this disease.